The following is an entry in ClinVar:

ClinVar aggregate classification (germline): Uncertain significance (1 of 4 stars; one submission).

Conditions:
Trichorhinophalangeal dysplasia type I (TRPS1). Also called: TRICHORHINOPHALANGEAL SYNDROME, TYPE I; TRPS I. Identifiers: Orphanet 77258, MedGen C0432233, MONDO:0008596, OMIM 190350.
Trichorhinophalangeal syndrome, type III (TRPS3). Also called: SUGIO-KAJII SYNDROME. Identifiers: Orphanet 77258, MedGen C1860823, OMIM 190351, MONDO:0008597.

Submission:

Labcorp Genetics (formerly Invitae), Labcorp
Classification: Uncertain significance for Trichorhinophalangeal syndrome, type III; Trichorhinophalangeal dysplasia type I. Last evaluated: 2023-01-25. Review status: criteria provided, single submitter. Criteria: Invitae Variant Classification Sherloc (09022015). Collection method: clinical testing. Allele origin: germline.
Comment: In summary, the available evidence is currently insufficient to determine the role of this variant in disease. Therefore, it has been classified as a Variant of Uncertain Significance. Advanced modeling of protein sequence and biophysical properties (such as structural, functional, and spatial information, amino acid conservation, physicochemical variation, residue mobility, and thermodynamic stability) performed at Invitae indicates that this missense variant is not expected to disrupt TRPS1 protein function. ClinVar contains an entry for this variant (Variation ID: 1366836). This variant has not been reported in the literature in individuals affected with TRPS1-related conditions. This variant is not present in population databases (gnomAD no frequency). This sequence change replaces proline, which is neutral and non-polar, with serine, which is neutral and polar, at codon 884 of the TRPS1 protein (p.Pro884Ser).

NM_014112.5(TRPS1):c.2650C>T (p.Pro884Ser)

Gene: TRPS1 (transcriptional repressor GATA binding 1; minus strand). Cytogenetic location: 8q23.3.
Variant type: single nucleotide variant.
Coding change: c.2650C>T on transcript NM_014112.5 (MANE Select); coding-DNA position 2650, C replaced by T.
Protein change: p.Pro884Ser; replaces proline 884 with serine.
Molecular consequence: missense variant.
Genome position (GRCh38, 1-based): chr8:115,587,051, G>A on the plus strand (C>T on the coding strand, the complement: TRPS1 is on the minus strand). VCF-style: chr8-115587051-G-A. GRCh37 (hg19) VCF-style: chr8-116599278-G-A.
Other names: c.2623C>T, p.Pro875Ser (NM_001282902.3); c.2629C>T, p.Pro877Ser (NM_001282903.3); c.2611C>T, p.Pro871Ser (NM_001330599.2); short protein forms P877S, P875S, P871S, P884S.
Identifiers: ClinVar variation 1366836 (VCV001366836.6), dbSNP rs2130443313, ClinGen allele CA372064680.